The following is an entry in ClinVar:

NM_018100.4(EFHC1):c.1278+15T>C

Gene: EFHC1 (EF-hand domain containing 1; plus strand). Cytogenetic location: 6p12.2.
Variant type: single nucleotide variant.
Coding change: c.1278+15T>C on transcript NM_018100.4 (MANE Select); 15 bases into the intron after coding-DNA position 1278, T replaced by C.
Molecular consequence: intron variant.
Genome position (GRCh38, 1-based): chr6:52,469,488, T>C. VCF-style: chr6-52469488-T-C. GRCh37 (hg19) VCF-style: chr6-52334286-T-C.
Other names: c.1221+15T>C (NM_001172420.2).
Identifiers: ClinVar variation 381138 (VCV000381138.1), dbSNP rs376515287, ClinGen allele CA16605060.

ClinVar aggregate classification (germline): Likely benign (1 of 4 stars; one submission).

Allele frequency attached by ClinVar (database versions not stated): TOPMed 0.00002; gnomAD 0.00001; ESP Exome Variant Server 0.00008.
gnomAD v4.1: 1 of 1,613,248 alleles (0.000062%); highest among the groups gnomAD compares: African/African-American, 0.0013%; no homozygotes.

Submission:

GeneDx
Classification: Likely benign. Last evaluated: 2015-10-23. Review status: criteria provided, single submitter. Criteria: GeneDx Variant Classification (06012015). Collection method: clinical testing. Allele origin: germline. Affected: yes.
Comment: This variant is considered likely benign or benign based on one or more of the following criteria: it is a conservative change, it occurs at a poorly conserved position in the protein, it is predicted to be benign by multiple in silico algorithms, and/or has population frequency not consistent with disease.